The following is an entry in ClinVar:

ClinVar aggregate classification (germline): Likely benign. Review status: criteria provided, multiple submitters, no conflicts (2 of 4 stars). 2 submissions from 2 submitters: Likely benign (2). Last evaluated 2024-01-16.

Conditions:
Fibrous dysplasia of jaw (CRBM). Also called: Cherubism. Identifiers: Orphanet 184, MedGen C0008029, MONDO:0007315, OMIM 118400.

Allele frequency attached by ClinVar (database versions not stated): gnomAD 0.00001; ExAC 0.00002; gnomAD exomes 0.00002 and 0.00003; TOPMed 0.00003.
gnomAD v4.1: 44 of 1,613,972 alleles (0.0027%); highest among the groups gnomAD compares: Non-Finnish European, 0.0033%; no homozygotes.

Submissions (2):

Labcorp Genetics (formerly Invitae), Labcorp
Classification: Likely benign for Fibrous dysplasia of jaw. Last evaluated: 2024-01-16. Review status: criteria provided, single submitter. Criteria: Invitae Variant Classification Sherloc (09022015). Collection method: clinical testing. Allele origin: germline.

Illumina Laboratory Services, Illumina
Classification: Likely benign for Fibrous dysplasia of jaw. Last evaluated: 2018-01-13. Review status: criteria provided, single submitter. Criteria: ICSL Variant Classification Criteria 13 December 2019. Collection method: clinical testing. Allele origin: germline.
Comment: This variant was observed in the ICSL laboratory as part of a predisposition screen in an ostensibly healthy population. It had not been previously curated by ICSL or reported in the Human Gene Mutation Database (HGMD: prior to June 1st, 2018), and was therefore a candidate for classification through an automated scoring system. Utilizing variant allele frequency, disease prevalence and penetrance estimates, and inheritance mode, an automated score was calculated to assess if this variant is too frequent to cause the disease. Based on the score and internal cut-off values, a variant classified as likely benign is not then subjected to further curation. The score for this variant resulted in a classification of likely benign for this disease.

NM_001122681.2(SH3BP2):c.78C>T (p.Gly26=)

Gene: SH3BP2 (SH3 domain binding protein 2; plus strand). Cytogenetic location: 4p16.3.
Variant type: single nucleotide variant.
Coding change: c.78C>T on transcript NM_001122681.2 (MANE Select); coding-DNA position 78, C replaced by T.
Protein change: p.Gly26=; no amino-acid change (glycine 26 retained).
Molecular consequence: synonymous variant.
Genome position (GRCh38, 1-based): chr4:2,820,695, C>T. VCF-style: chr4-2820695-C-T. GRCh37 (hg19) VCF-style: chr4-2822422-C-T.
Other names: c.162C>T, p.Gly54= (NM_001145855.2); c.249C>T, p.Gly83= (NM_001145856.2); c.78C>T, p.Gly26= (NM_003023.4).
Identifiers: ClinVar variation 902810 (VCV000902810.13), dbSNP rs770692755, ClinGen allele CA2818891.